The following is an entry in ClinVar:

NM_001378615.1(CC2D2A):c.3851G>A (p.Arg1284His)

Genes: CC2D2A (coiled-coil and C2 domain containing 2A; plus strand), FBXL5 (F-box and leucine rich repeat protein 5; minus strand). Cytogenetic location: 4p15.32.
Variant type: single nucleotide variant.
Coding change: c.3851G>A on transcript NM_001378615.1 (MANE Select); coding-DNA position 3851, G replaced by A.
Protein change: p.Arg1284His; replaces arginine 1284 with histidine.
Molecular consequence: missense variant.
Genome position (GRCh38, 1-based): chr4:15,580,047, G>A. VCF-style: chr4-15580047-G-A. GRCh37 (hg19) VCF-style: chr4-15581670-G-A.
Other names: c.3851G>A, p.Arg1284His (NM_001080522.2); c.3704G>A, p.Arg1235His (NM_001378617.1); short protein forms R1235H, R1284H.
Identifiers: ClinVar variation 987848 (VCV000987848.8), dbSNP rs754586025, ClinGen allele CA2864244.
Genomic context (GRCh38, chr4:15,580,047, plus strand): 5'-AGAAATTACTTCAAGCAACTGAGAAGTTTCAAGCTGAATGTGCCTTAAAGTTTCCAAATC[G>A]TCAGTGCCTTACAACAGTAATTGATATAAGCGGAAAAACTGTTTTTATCACACGTTATCT-3'
Protein context (NP_001365544.1, residues 1274-1294): QAECALKFPN[Arg1284His]QCLTTVIDIS

ClinVar aggregate classification (germline): Pathogenic/Likely pathogenic. Review status: criteria provided, multiple submitters, no conflicts (2 of 4 stars). 2 submissions from 2 submitters: Pathogenic (1); Likely pathogenic (1). Last evaluated 2025-08-25.

Conditions:
Joubert syndrome. Also called: JOUBERT-BOLTSHAUSER SYNDROME; Familial aplasia of the vermis. Identifiers: Orphanet 475, MedGen C5979921, MONDO:0018772.
Meckel-Gruber syndrome. Also called: Dysencephalia splachnocystica; DYSENCEPHALIA SPLANCHNOCYSTICA; GRUBER SYNDROME. Identifiers: Orphanet 564, MedGen C0265215, MONDO:0018921.
CC2D2A-related disorder. Also called: CC2D2A-related condition; CC2D2A-related disorders. Identifiers: MedGen CN239313.

Allele frequency attached by ClinVar (database versions not stated): TOPMed below 0.00001; ExAC 0.00001; gnomAD 0.00001; gnomAD exomes 0.00001.
gnomAD v4.1: 15 of 1,613,758 alleles (0.00093%); highest among the groups gnomAD compares: East Asian, 0.0022%; no homozygotes.

Submissions (2):

Women's Health and Genetics/Laboratory Corporation of America, LabCorp
Classification: Likely pathogenic for CC2D2A-Related Disorders. Last evaluated: 2025-08-25. Review status: criteria provided, single submitter. Criteria: LabCorp Variant Classification Summary - May 2015. Collection method: clinical testing. Allele origin: germline.
Comment: Variant summary: CC2D2A c.3851G>A (p.Arg1284His) results in a non-conservative amino acid change in the encoded protein sequence. Algorithms developed to predict the effect of missense changes on protein structure and function all suggest that this variant is likely to be disruptive. The variant allele was found at a frequency of 1.2e-05 in 249096 control chromosomes (gnomAD). c.3851G>A has been reported in the literature in at least one compound heterozygous individual affected with Joubert Syndome (Bachmann-Gagescu_2012). This patient has subsequently been cited multiple times in the literature (Vilboux_2017, Summers_2017, Fleming_2017, Brooks_2018). These data do not allow any conclusion about variant significance. To our knowledge, no experimental evidence demonstrating an impact on protein function has been reported. Another missense variant affecting this codon, c.3850C>T (p.Arg1284Cys) has been determined to be pathogenic in ClinVar (PMID: 22241855, 34645488), suggesting this residue is clinically significant. The following publications have been ascertained in the context of this evaluation (PMID: 22241855, 30055837, 26062849, 29146704, 28497568, 28125082). ClinVar contains an entry for this variant (Variation ID: 987848). Based on the evidence outlined above, the variant was classified as likely pathogenic.

Labcorp Genetics (formerly Invitae), Labcorp
Classification: Pathogenic for Joubert syndrome; Meckel-Gruber syndrome. Last evaluated: 2023-10-22. Review status: criteria provided, single submitter. Criteria: Invitae Variant Classification Sherloc (09022015). Collection method: clinical testing. Allele origin: germline.
Comment: This sequence change replaces arginine, which is basic and polar, with histidine, which is basic and polar, at codon 1284 of the CC2D2A protein (p.Arg1284His). This variant is present in population databases (rs754586025, gnomAD 0.01%). This missense change has been observed in individual(s) with Joubert syndrome (PMID: 22241855). ClinVar contains an entry for this variant (Variation ID: 987848). Advanced modeling of protein sequence and biophysical properties (such as structural, functional, and spatial information, amino acid conservation, physicochemical variation, residue mobility, and thermodynamic stability) performed at Invitae indicates that this missense variant is expected to disrupt CC2D2A protein function. This variant disrupts the p.Arg1284 amino acid residue in CC2D2A. Other variant(s) that disrupt this residue have been determined to be pathogenic (PMID: 22241855, 26092869, 27894351). This suggests that this residue is clinically significant, and that variants that disrupt this residue are likely to be disease-causing. For these reasons, this variant has been classified as Pathogenic.

Literature cited by the submitters: PubMed 28497568 (cited by Women's Health and Genetics/Laboratory Corporation of America, LabCorp); PubMed 22241855 (cited by Women's Health and Genetics/Laboratory Corporation of America, LabCorp and Labcorp Genetics (formerly Invitae), Labcorp); PubMed 30055837 (cited by Women's Health and Genetics/Laboratory Corporation of America, LabCorp); PubMed 26062849 (cited by Women's Health and Genetics/Laboratory Corporation of America, LabCorp); PubMed 29146704 (cited by Women's Health and Genetics/Laboratory Corporation of America, LabCorp); PubMed 28125082 (cited by Women's Health and Genetics/Laboratory Corporation of America, LabCorp); PubMed 26092869 (cited by Labcorp Genetics (formerly Invitae), Labcorp); PubMed 27894351 (cited by Labcorp Genetics (formerly Invitae), Labcorp).